The following is an entry in ClinVar:

NM_018124.4(RFWD3):c.1520G>C (p.Ser507Thr)

Gene: RFWD3 (ring finger and WD repeat domain 3; minus strand). Cytogenetic location: 16q23.1.
Variant type: single nucleotide variant.
Coding change: c.1520G>C on transcript NM_018124.4 (MANE Select); coding-DNA position 1520, G replaced by C.
Protein change: p.Ser507Thr; replaces serine 507 with threonine.
Molecular consequence: missense variant.
Genome position (GRCh38, 1-based): chr16:74,632,580, C>G on the plus strand (G>C on the coding strand, the complement: RFWD3 is on the minus strand). VCF-style: chr16-74632580-C-G. GRCh37 (hg19) VCF-style: chr16-74666478-C-G.
Other names: c.1520G>C, p.Ser507Thr (NM_001370534.1, NM_001370535.1, NM_001370536.1); c.686G>C, p.Ser229Thr (NM_001370537.1, NM_001370539.1, NM_001370540.1 and 3 more transcripts); short protein forms S507T, S229T.
Identifiers: ClinVar variation 2286241 (VCV002286241.3), dbSNP rs750065808, ClinGen allele CA8169180.

ClinVar aggregate classification (germline): Uncertain significance. Review status: criteria provided, multiple submitters, no conflicts (2 of 4 stars). 2 submissions from 2 submitters: Uncertain significance (2). Last evaluated 2026-01-06.

Allele frequency attached by ClinVar (database versions not stated): ExAC 0.00001; gnomAD exomes 0.00001.
gnomAD v4.1: 13 of 1,614,140 alleles (0.00081%); highest among the groups gnomAD compares: Non-Finnish European, 0.001%; no homozygotes.

Submissions (2):

Labcorp Genetics (formerly Invitae), Labcorp
Classification: Uncertain significance. Last evaluated: 2026-01-06. Review status: criteria provided, single submitter. Criteria: Invitae Variant Classification Sherloc (09022015). Collection method: clinical testing. Allele origin: germline.
Comment: This sequence change replaces serine, which is neutral and polar, with threonine, which is neutral and polar, at codon 507 of the RFWD3 protein (p.Ser507Thr). This variant is present in population databases (rs750065808, gnomAD 0.0009%). This variant has not been reported in the literature in individuals affected with RFWD3-related conditions. ClinVar contains an entry for this variant (Variation ID: 2286241). An algorithm developed to predict the effect of missense changes on protein structure and function outputs the following: PolyPhen-2: "Benign". The threonine amino acid residue is found in multiple mammalian species, which suggests that this missense change does not adversely affect protein function. In summary, the available evidence is currently insufficient to determine the role of this variant in disease. Therefore, it has been classified as a Variant of Uncertain Significance.

Ambry Genetics
Classification: Uncertain significance. Last evaluated: 2022-04-27. Review status: criteria provided, single submitter. Criteria: Ambry Variant Classification Scheme 2023. Collection method: clinical testing. Allele origin: germline.